The following is an entry in ClinVar:

NM_000359.3(TGM1):c.344dup (p.Asp116fs)

Gene: TGM1 (transglutaminase 1; minus strand). Cytogenetic location: 14q12.
Variant type: Duplication.
Coding change: c.344dup on transcript NM_000359.3 (MANE Select); coding-DNA position 344, one base duplicated (T; older notation c.344dupT).
Protein change: p.Asp116fs; shifts the reading frame from aspartic acid 116.
Molecular consequence: frameshift variant.
Genome position (GRCh38, 1-based): chr14:24,261,859, A duplicated on the plus strand (T on the coding strand, the reverse complement: TGM1 is on the minus strand). VCF-style (leftmost placement, unchanged base first): chr14-24261858-C-CA. GRCh37 (hg19) VCF-style: chr14-24731064-C-CA.
Other names: c.344dupT (NM_000359.2); short protein forms D116fs.
Identifiers: ClinVar variation 2679179 (VCV002679179.2), dbSNP rs2502508287, ClinGen allele CA2695199812.

ClinVar aggregate classification (germline): Pathogenic. Review status: criteria provided, single submitter (1 of 4 stars). 2 submissions from 2 submitters: Pathogenic (1). 1 of the submissions does not count toward it. Last evaluated 2023-04-10.

Conditions:
Autosomal recessive congenital ichthyosis 1 (LI1). Also called: COLLODION FETUS; DESQUAMATION OF NEWBORN; ICHTHYOSIS CONGENITA; ICHTHYOSIS CONGENITA II; LAMELLAR EXFOLIATION OF NEWBORN; ICHTHYOSIS, CONGENITAL, AUTOSOMAL RECESSIVE 1, WITH BATHING SUIT DISTRIBUTION. Identifiers: MedGen C4551630, MONDO:0009441, OMIM 242300.
TGM1-related disorder. Also called: TGM1-related condition.

Submissions (2):

Baylor Genetics
Classification: Pathogenic for Autosomal recessive congenital ichthyosis 1. Last evaluated: 2023-04-10. Review status: criteria provided, single submitter. Criteria: ACMG Guidelines, 2015. Collection method: clinical testing. Allele origin: unknown.

PreventionGenetics, part of Exact Sciences
Classification: Pathogenic for TGM1-related condition. Last evaluated: 2024-06-15. Review status: no assertion criteria provided. Collection method: clinical testing. Allele origin: germline. Not counted in ClinVar's aggregate classification.
Comment: The TGM1 c.344dupT variant is predicted to result in a frameshift and premature protein termination (p.Asp116Glyfs*20). This variant has been reported in a cohort of individuals with autosomal recessive congenital ichthyosis (reported as c.343insT in Farasat et al. 2009. PubMed ID: 18948357). This variant has not been reported in a large population database, indicating this variant is rare. Frameshift variants in TGM1 are expected to be pathogenic. This variant is interpreted as pathogenic.